The following is an entry in ClinVar:

ClinVar aggregate classification (germline): Uncertain significance (1 of 4 stars; one submission).

Conditions:
Dyskeratosis congenita, autosomal recessive 5 (DKCB5). Identifiers: MedGen C3554656, MONDO:0014076, OMIM 615190.
Pulmonary fibrosis and/or bone marrow failure, Telomere-related, 3. Also called: PULMONARY FIBROSIS AND/OR BONE MARROW FAILURE SYNDROME, TELOMERE-RELATED, 3. Identifiers: Orphanet 2032, MedGen C4225346, MONDO:0014613, OMIM 616373.

Allele frequency attached by ClinVar (database versions not stated): gnomAD exomes below 0.00001.
gnomAD v4.1: 1 of 1,614,110 alleles (0.000062%); highest among the groups gnomAD compares: Non-Finnish European, 0.000085%; no homozygotes.

Submission:

Labcorp Genetics (formerly Invitae), Labcorp
Classification: Uncertain significance for Dyskeratosis congenita, autosomal recessive 5; Pulmonary fibrosis and/or bone marrow failure, Telomere-related, 3. Last evaluated: 2023-07-12. Review status: criteria provided, single submitter. Criteria: Invitae Variant Classification Sherloc (09022015). Collection method: clinical testing. Allele origin: germline.
Comment: In summary, the available evidence is currently insufficient to determine the role of this variant in disease. Therefore, it has been classified as a Variant of Uncertain Significance. An algorithm developed to predict the effect of missense changes on protein structure and function (PolyPhen-2) suggests that this variant is likely to be tolerated. This variant has not been reported in the literature in individuals affected with RTEL1-related conditions. This variant is not present in population databases (gnomAD no frequency). This sequence change replaces glutamic acid, which is acidic and polar, with glycine, which is neutral and non-polar, at codon 186 of the RTEL1 protein (p.Glu186Gly).

NM_001283009.2(RTEL1):c.557A>G (p.Glu186Gly)

Genes: RTEL1 (regulator of telomere elongation helicase 1; plus strand), RTEL1-TNFRSF6B (RTEL1-TNFRSF6B readthrough (NMD candidate); plus strand). Cytogenetic location: 20q13.33.
Variant type: single nucleotide variant.
Coding change: c.557A>G on transcript NM_001283009.2 (MANE Select); coding-DNA position 557, A replaced by G.
Protein change: p.Glu186Gly; replaces glutamic acid 186 with glycine.
Molecular consequence: missense variant. On other transcripts: non-coding transcript variant (1), 5 prime UTR variant (1).
Genome position (GRCh38, 1-based): chr20:63,666,022, A>G. VCF-style: chr20-63666022-A-G. GRCh37 (hg19) VCF-style: chr20-62297375-A-G.
Other names: c.-113A>G (NM_001283010.1); c.557A>G, p.Glu186Gly (NM_016434.4); c.629A>G, p.Glu210Gly (NM_032957.5); short protein forms E186G, E210G.
Identifiers: ClinVar variation 2928451 (VCV002928451.3), dbSNP rs2517009795, ClinGen allele CA409670471.
Genomic context (GRCh38, chr20:63,666,022, plus strand): 5'-GGACCCTGAGGGTGTGTGTTTACCCCTGCCTCACACCTGCAGAAAAAAGCCTGGAGCAGG[A>G]GCTGGCCAGCCCCATCCTGGACATTGAGGACTTGGTCAAGAGCGGAAGCAAGCACAGGTG-3'
Protein context (NP_001269938.1, residues 176-196): NNVEEKSLEQ[Glu186Gly]LASPILDIED